The following is an entry in ClinVar:

ClinVar aggregate classification (germline): Uncertain significance (0 of 4 stars; one submission).

Conditions:
PPARG-related disorder. Also called: PPARG-related disorders; PPARG-related condition.

gnomAD v4.1: 1 of 1,613,874 alleles (0.000062%); no homozygotes.

Submission:

PreventionGenetics, part of Exact Sciences
Classification: Uncertain significance for PPARG-related condition. Last evaluated: 2024-04-18. Review status: no assertion criteria provided. Collection method: clinical testing. Allele origin: germline.
Comment: The PPARG c.244C>G variant is predicted to result in the amino acid substitution p.Pro82Ala. To our knowledge, this variant has not been reported in the literature or in a large population database, indicating this variant is rare. At this time, the clinical significance of this variant is uncertain due to the absence of conclusive functional and genetic evidence.

NM_138711.6(PPARG):c.154C>G (p.Pro52Ala)

Gene: PPARG (peroxisome proliferator activated receptor gamma; plus strand). Cytogenetic location: 3p25.2.
Variant type: single nucleotide variant.
Coding change: c.154C>G on transcript NM_138711.6 (MANE Select); coding-DNA position 154, C replaced by G.
Protein change: p.Pro52Ala; replaces proline 52 with alanine.
Molecular consequence: missense variant. On other transcripts: 5 prime UTR variant (1).
Genome position (GRCh38, 1-based): chr3:12,379,865, C>G. VCF-style: chr3-12379865-C-G. GRCh37 (hg19) VCF-style: chr3-12421364-C-G.
Other names: c.154C>G, p.Pro52Ala (NM_001330615.4, NM_001354666.3, NM_001354667.3 and 6 more transcripts); c.244C>G, p.Pro82Ala (NM_001354668.2, NM_001374265.1, NM_015869.5); c.-274C>G (NM_001354669.2); c.160C>G, p.Pro54Ala (NM_001354670.2, NM_001374266.1); short protein forms P52A, P54A, P82A.
Identifiers: ClinVar variation 3346683 (VCV003346683.1).
Genomic context (GRCh38, chr3:12,379,865, plus strand): 5'-ATCAAGCCCTTCACTACTGTTGACTTCTCCAGCATTTCTACTCCACATTACGAAGACATT[C>G]CATTCACAAGAACAGATCCAGTGGTTGCAGATTACAAGTATGACCTGAAACTTCAAGAGT-3'
Protein context (NP_619725.3, residues 42-62): SISTPHYEDI[Pro52Ala]FTRTDPVVAD